The following is an entry in ClinVar:

ClinVar aggregate classification (germline): Uncertain significance (1 of 4 stars; one submission).

Conditions:
Charcot-Marie-Tooth disease type 2E (CMT2E). Also called: CHARCOT-MARIE-TOOTH DISEASE, AXONAL, TYPE 2E; CHARCOT-MARIE-TOOTH NEUROPATHY, TYPE 2E. Identifiers: Orphanet 99939, MedGen C1843225, MONDO:0011894, OMIM 607684.

Allele frequency attached by ClinVar (database versions not stated): TOPMed 0.00003.

Submission:

Labcorp Genetics (formerly Invitae), Labcorp
Classification: Uncertain significance for Charcot-Marie-Tooth disease type 2E. Last evaluated: 2023-11-05. Review status: criteria provided, single submitter. Criteria: Invitae Variant Classification Sherloc (09022015). Collection method: clinical testing. Allele origin: germline.
Comment: This sequence change replaces lysine, which is basic and polar, with glutamic acid, which is acidic and polar, at codon 281 of the NEFL protein (p.Lys281Glu). This variant is present in population databases (rs754612937, gnomAD 0.03%). This variant has not been reported in the literature in individuals affected with NEFL-related conditions. Advanced modeling of protein sequence and biophysical properties (such as structural, functional, and spatial information, amino acid conservation, physicochemical variation, residue mobility, and thermodynamic stability) performed at Invitae indicates that this missense variant is not expected to disrupt NEFL protein function with a negative predictive value of 80%. In summary, the available evidence is currently insufficient to determine the role of this variant in disease. Therefore, it has been classified as a Variant of Uncertain Significance.

NM_006158.5(NEFL):c.841A>G (p.Lys281Glu)

Gene: NEFL (neurofilament light chain; minus strand). Cytogenetic location: 8p21.2.
Variant type: single nucleotide variant.
Coding change: c.841A>G on transcript NM_006158.5 (MANE Select); coding-DNA position 841, A replaced by G.
Protein change: p.Lys281Glu; replaces lysine 281 with glutamic acid.
Molecular consequence: missense variant.
Genome position (GRCh38, 1-based): chr8:24,955,675, T>C on the plus strand (A>G on the coding strand, the complement: NEFL is on the minus strand). VCF-style: chr8-24955675-T-C. GRCh37 (hg19) VCF-style: chr8-24813189-T-C.
Other names: short protein forms K281E.
Identifiers: ClinVar variation 2895389 (VCV002895389.3), dbSNP rs754612937, ClinGen allele CA4681431.